The following is an entry in ClinVar:

NM_000097.7(CPOX):c.1277+1G>A

Gene: CPOX (coproporphyrinogen oxidase; minus strand). Cytogenetic location: 3q11.2.
Variant type: single nucleotide variant.
Coding change: c.1277+1G>A on transcript NM_000097.7 (MANE Select); the canonical splice donor site of the intron after coding-DNA position 1277, G replaced by A.
Molecular consequence: splice donor variant.
Genome position (GRCh38, 1-based): chr3:98,581,406, C>T on the plus strand (G>A on the coding strand, the complement: CPOX is on the minus strand). VCF-style: chr3-98581406-C-T. GRCh37 (hg19) VCF-style: chr3-98300250-C-T.
Identifiers: ClinVar variation 1362597 (VCV001362597.8), dbSNP rs2107113851, ClinGen allele CA353644551.

ClinVar aggregate classification (germline): Uncertain significance (1 of 4 stars; one submission).

Submission:

Labcorp Genetics (formerly Invitae), Labcorp
Classification: Uncertain significance. Last evaluated: 2021-02-02. Review status: criteria provided, single submitter. Criteria: Invitae Variant Classification Sherloc (09022015). Collection method: clinical testing. Allele origin: germline.
Comment: This sequence change affects a donor splice site in intron 6 of the CPOX gene. While this variant is not anticipated to result in nonsense mediated decay, it likely alters RNA splicing and results in a disrupted protein product. In summary, the available evidence is currently insufficient to determine the role of this variant in disease. Therefore, it has been classified as a Variant of Uncertain Significance. Nucleotide substitutions within the consensus splice site are a relatively common cause of aberrant splicing (PMID: 17576681, 9536098). Algorithms developed to predict the effect of sequence changes on RNA splicing suggest that this variant may disrupt the consensus splice site, but this prediction has not been confirmed by published transcriptional studies. This variant has been observed in individual(s) with autosomal dominant hereditary coproporphyria (Invitae). This variant is not present in population databases (ExAC no frequency).

Literature cited by the submitters: PubMed 17576681; PubMed 9536098.